The following is an entry in ClinVar:

NM_152268.4(PARS2):c.-27G>A

Gene: PARS2 (prolyl-tRNA synthetase 2, mitochondrial; minus strand). Cytogenetic location: 1p32.3.
Variant type: single nucleotide variant.
Coding change: c.-27G>A on transcript NM_152268.4 (MANE Select); 27 bases upstream of the start codon, G replaced by A.
Molecular consequence: 5 prime UTR variant.
Genome position (GRCh38, 1-based): chr1:54,759,188, C>T on the plus strand (G>A on the coding strand, the complement: PARS2 is on the minus strand). VCF-style: chr1-54759188-C-T. GRCh37 (hg19) VCF-style: chr1-55224861-C-T.
Identifiers: ClinVar variation 668495 (VCV000668495.1), dbSNP rs370804706, ClinGen allele CA869578.

ClinVar aggregate classification (germline): Likely benign (1 of 4 stars; one submission).

Allele frequency attached by ClinVar (database versions not stated): gnomAD exomes 0.00003 and 0.00012; ExAC 0.00019; ESP Exome Variant Server 0.00047; gnomAD 0.00054 and 0.00055; TOPMed 0.00057.
gnomAD v4.1: 136 of 1,530,534 alleles (0.0089%); highest among the groups gnomAD compares: African/African-American, 0.15%; no homozygotes.

Submission:

GeneDx
Classification: Likely benign. Last evaluated: 2018-06-08. Review status: criteria provided, single submitter. Criteria: GeneDx Variant Classification (06012015). Collection method: clinical testing. Allele origin: germline. Affected: yes.
Comment: This variant is considered likely benign or benign based on one or more of the following criteria: it is a conservative change, it occurs at a poorly conserved position in the protein, it is predicted to be benign by multiple in silico algorithms, and/or has population frequency not consistent with disease.